The following is an entry in ClinVar:

ClinVar aggregate classification (germline): Uncertain significance. Review status: criteria provided, multiple submitters, no conflicts (2 of 4 stars). 3 submissions from 3 submitters: Uncertain significance (3). Last evaluated 2024-02-02.

Conditions:
Inborn genetic diseases. Identifiers: MedGen C0950123, MeSH D030342.

Allele frequency attached by ClinVar (database versions not stated): TOPMed 0.00001.
gnomAD v4.1: 8 of 1,546,368 alleles (0.00052%); highest among the groups gnomAD compares: Non-Finnish European, 0.00061%; no homozygotes.

Submissions (3):

Ambry Genetics
Classification: Uncertain significance for Inborn genetic diseases. Last evaluated: 2024-02-02. Review status: criteria provided, single submitter. Criteria: Ambry Variant Classification Scheme 2023. Collection method: clinical testing. Allele origin: germline.
Comment: The p.R343W variant (also known as c.1027C>T), located in coding exon 11 of the ERCC2 gene, results from a C to T substitution at nucleotide position 1027. The arginine at codon 343 is replaced by tryptophan, an amino acid with dissimilar properties. This amino acid position is conserved. In addition, this alteration is predicted to be deleterious by in silico analysis. Since supporting evidence is limited at this time, the clinical significance of this alteration remains unclear.

Labcorp Genetics (formerly Invitae), Labcorp
Classification: Uncertain significance. Last evaluated: 2022-04-30. Review status: criteria provided, single submitter. Criteria: Invitae Variant Classification Sherloc (09022015). Collection method: clinical testing. Allele origin: germline.
Comment: This sequence change replaces arginine, which is basic and polar, with tryptophan, which is neutral and slightly polar, at codon 343 of the ERCC2 protein (p.Arg343Trp). This variant is not present in population databases (gnomAD no frequency). This variant has not been reported in the literature in individuals affected with ERCC2-related conditions. ClinVar contains an entry for this variant (Variation ID: 1319443). Algorithms developed to predict the effect of missense changes on protein structure and function are either unavailable or do not agree on the potential impact of this missense change (SIFT: "Deleterious"; PolyPhen-2: "Probably Damaging"; Align-GVGD: "Class C0"). In summary, the available evidence is currently insufficient to determine the role of this variant in disease. Therefore, it has been classified as a Variant of Uncertain Significance.

Institute for Clinical Genetics, University Hospital TU Dresden, University Hospital TU Dresden
Classification: Uncertain significance. Last evaluated: 2021-11-03. Review status: criteria provided, single submitter. Criteria: ACMG Guidelines, 2015. Collection method: clinical testing. Allele origin: germline.

NM_000400.4(ERCC2):c.1027C>T (p.Arg343Trp)

Gene: ERCC2 (ERCC excision repair 2, TFIIH core complex helicase subunit; minus strand). Cytogenetic location: 19q13.32.
Variant type: single nucleotide variant.
Coding change: c.1027C>T on transcript NM_000400.4 (MANE Select); coding-DNA position 1027, C replaced by T.
Protein change: p.Arg343Trp; replaces arginine 343 with tryptophan.
Molecular consequence: missense variant.
Genome position (GRCh38, 1-based): chr19:45,363,834, G>A on the plus strand (C>T on the coding strand, the complement: ERCC2 is on the minus strand). VCF-style: chr19-45363834-G-A. GRCh37 (hg19) VCF-style: chr19-45867092-G-A.
Other names: c.955C>T, p.Arg319Trp (NM_001130867.2); short protein forms R319W, R343W.
Identifiers: ClinVar variation 1319443 (VCV001319443.6), dbSNP rs1243536822, ClinGen allele CA406372676.